The following is an entry in ClinVar:

NM_000518.5(HBB):c.257T>C (p.Phe86Ser)

Genes: HBB (hemoglobin subunit beta; minus strand), LOC106099062 (HBB recombination region; plus strand), LOC107133510 (origin of replication at HBB; plus strand). Cytogenetic location: 11p15.4.
Variant type: single nucleotide variant.
Coding change: c.257T>C on transcript NM_000518.5 (MANE Select); coding-DNA position 257, T replaced by C.
Protein change: p.Phe86Ser; replaces phenylalanine 86 with serine.
Molecular consequence: missense variant.
Genome position (GRCh38, 1-based): chr11:5,226,635, A>G on the plus strand (T>C on the coding strand, the complement: HBB is on the minus strand). VCF-style: chr11-5226635-A-G. GRCh37 (hg19) VCF-style: chr11-5247865-A-G.
Other names: F85S; Hb Bryn Mawr; Hb Buenos Aires; short protein forms F86S.
Identifiers: ClinVar variation 15122 (VCV000015122.4), dbSNP rs35693898, ClinGen allele CA124772.

ClinVar aggregate classification (germline): Pathogenic. Review status: criteria provided, single submitter (1 of 4 stars). 2 submissions from 2 submitters: Pathogenic (1). 1 of the submissions does not count toward it. Last evaluated 2022-05-04.

Conditions:
Hemoglobinopathy. Also called: Haemoglobinopathies; Hemoglobin disorder. Identifiers: MedGen C0019045, MONDO:0044348.

Submissions (2):

ARUP Laboratories, Molecular Genetics and Genomics, ARUP Laboratories
Classification: Pathogenic. Last evaluated: 2022-05-04. Review status: criteria provided, single submitter. Criteria: ARUP Molecular Germline Variant Investigation Process 2021. Collection method: clinical testing. Allele origin: germline.
Comment: The Hb Buenos Aires variant (HBB: c.257T>C; p.Phe86Ser, also known as Hb Bryn Mawr, and as Phe85Ser when numbered from the mature protein, rs35693898, HbVar ID: 414) is reported in the literature in heterozygous individuals affected with hemolytic anemia (see HbVar and references therein). The is variant is reported as unstable with increased oxygen affinity (see HbVar). This variant is reported in ClinVar (Variation ID: 15122) and is absent from the Genome Aggregation Database, indicating it is not a common polymorphism. The phenylalanine at codon 86 is highly conserved, and computational analyses predict that this variant is deleterious (REVEL: 0.804). Based on available information, this variant is considered to be pathogenic. References: Link to HbVar database

OMIM
Classification: Pathogenic for HEMOGLOBIN BRYN MAWR. Last evaluated: 1967-09-29. Review status: no assertion criteria provided. Collection method: literature only. Allele origin: germline. Not counted in ClinVar's aggregate classification.

Literature cited by the submitters: PubMed 6038175 (cited by OMIM); PubMed 14197371 (cited by OMIM); Weinstein, B. I., White, J. M., Wiltshire, A., Lehmann, H. Hemoglobina Buenos Aires: una nueva hemoglobina inestable. (Abstract) Medicina 32: 749, 1973. (cited by OMIM).